The following is an entry in ClinVar:

NM_052947.4(ALPK2):c.4927C>T (p.Pro1643Ser)

Gene: ALPK2 (alpha kinase 2; minus strand). Cytogenetic location: 18q21.31.
Variant type: single nucleotide variant.
Coding change: c.4927C>T on transcript NM_052947.4 (MANE Select); coding-DNA position 4927, C replaced by T.
Protein change: p.Pro1643Ser; replaces proline 1643 with serine.
Molecular consequence: missense variant.
Genome position (GRCh38, 1-based): chr18:58,535,260, G>A on the plus strand (C>T on the coding strand, the complement: ALPK2 is on the minus strand). VCF-style: chr18-58535260-G-A. GRCh37 (hg19) VCF-style: chr18-56202492-G-A.
Other names: short protein forms P1643S.
Identifiers: ClinVar variation 1744160 (VCV001744160.2), dbSNP rs141959270, ClinGen allele CA300926216.
Genomic context (GRCh38, chr18:58,535,260, plus strand): 5'-CTAACTCACGTTCTCCTGAAATAAATGCCAAGGTCTTCGCTGAGGAGCTAGATGAGCTTG[G>A]GGGTTTGGTTTCCCCAATTTGAAGCACCTCTATTTTAGGTTCCTCCATTTTGTGGCTTAT-3'
Protein context (NP_443179.3, residues 1633-1653): EVLQIGETKP[Pro1643Ser]SSSSSSAKTL

ClinVar aggregate classification (germline): Uncertain significance (1 of 4 stars; one submission).

Allele frequency attached by ClinVar (database versions not stated): gnomAD 0.00001; ESP Exome Variant Server 0.00008.
gnomAD v4.1: 1 of 1,614,026 alleles (0.000062%); highest among the groups gnomAD compares: African/African-American, 0.0013%; no homozygotes.

Submission:

Ambry Genetics
Classification: Uncertain significance. Last evaluated: 2022-05-24. Review status: criteria provided, single submitter. Criteria: Ambry Variant Classification Scheme 2023. Collection method: clinical testing. Allele origin: germline.
Comment: The p.P1643S variant (also known as c.4927C>T), located in coding exon 4 of the ALPK2 gene, results from a C to T substitution at nucleotide position 4927. The proline at codon 1643 is replaced by serine, an amino acid with similar properties. This amino acid position is conserved. In addition, this alteration is predicted to be tolerated by in silico analysis. Since supporting evidence is limited at this time, the clinical significance of this alteration remains unclear.